The following is an entry in ClinVar:

ClinVar aggregate classification (germline): Uncertain significance (1 of 4 stars; one submission).

Conditions:
Tuberous sclerosis 2 (TSC2). Identifiers: Orphanet 805, MedGen C1860707, MONDO:0013199, OMIM 613254.

Submission:

Labcorp Genetics (formerly Invitae), Labcorp
Classification: Uncertain significance for Tuberous sclerosis 2. Last evaluated: 2017-09-17. Review status: criteria provided, single submitter. Criteria: Invitae Variant Classification Sherloc (09022015). Collection method: clinical testing. Allele origin: germline.
Comment: In summary, the available evidence is currently insufficient to determine the role of this variant in disease. Therefore, it has been classified as a Variant of Uncertain Significance. Algorithms developed to predict the effect of sequence changes on RNA splicing suggest that this variant may disrupt the consensus splice site, but this prediction has not been confirmed by published transcriptional studies. This variant has not been reported in the literature in individuals with TSC2-related disease. This variant is not present in population databases (ExAC no frequency). This sequence change falls in intron 3 of the TSC2 gene. It does not directly change the encoded amino acid sequence of the TSC2 protein.

NM_000548.5(TSC2):c.226-8G>A

Gene: TSC2 (TSC complex subunit 2; plus strand). Cytogenetic location: 16p13.3.
Variant type: single nucleotide variant.
Coding change: c.226-8G>A on transcript NM_000548.5 (MANE Select); 8 bases into the intron before coding-DNA position 226, G replaced by A.
Molecular consequence: intron variant.
Genome position (GRCh38, 1-based): chr16:2,053,334, G>A. VCF-style: chr16-2053334-G-A. GRCh37 (hg19) VCF-style: chr16-2103335-G-A.
Other names: c.226-8G>A (NM_001114382.3, NM_021055.3, NM_001370405.1 and 3 more transcripts); c.226-962G>A (NM_001318827.2); c.-2+2848G>A (NM_001318831.2); c.79-8G>A (NM_001318829.2); c.259-8G>A (NM_001318832.2).
Identifiers: ClinVar variation 1020408 (VCV001020408.8), dbSNP rs2085356308, ClinGen allele CA492955095.